The following is an entry in ClinVar:

NM_000535.7(PMS2):c.1125G>A (p.Gln375=)

Gene: PMS2 (PMS1 homolog 2, mismatch repair system component; minus strand). Cytogenetic location: 7p22.1.
Variant type: single nucleotide variant.
Coding change: c.1125G>A on transcript NM_000535.7 (MANE Select); coding-DNA position 1125, G replaced by A.
Protein change: p.Gln375=; no amino-acid change (glutamine 375 retained).
Molecular consequence: synonymous variant. On other transcripts: non-coding transcript variant (1), intron variant (2).
Genome position (GRCh38, 1-based): chr7:5,989,819, C>T on the plus strand (G>A on the coding strand, the complement: PMS2 is on the minus strand). VCF-style: chr7-5989819-C-T. GRCh37 (hg19) VCF-style: chr7-6029450-C-T.
Other names: c.720G>A, p.Gln240= (NM_001322003.2, NM_001322004.2, NM_001322005.2 and 1 more transcripts); c.807G>A, p.Gln269= (NM_001322007.2, NM_001322008.2); c.192G>A, p.Gln64= (NM_001322011.2, NM_001322012.2); c.552G>A, p.Gln184= (NM_001322013.2); c.1125G>A, p.Gln375= (NM_001322014.2); c.816G>A, p.Gln272= (NM_001322015.2); c.583+2154G>A (NM_001322010.2); c.988+2154G>A (NM_001322006.2).
Identifiers: ClinVar variation 416559 (VCV000416559.15), dbSNP rs1060504838, ClinGen allele CA16612263.
Genomic context (GRCh38, chr7:5,989,819, plus strand): 5'-TAAAAGCTTTAGAAGCTGTTTGTACACTGTATTTTTCTTACCTTCAACATCCAGCAGTGG[C>T]TGCTGACTGACATTTAGCTTGTTGACATCACTATCAAACATTCCTATCAAAGAGGTCTTT-3'
Protein context (NP_000526.2, residues 365-385): SDVNKLNVSQ[Gln375=]PLLDVEGNLI

ClinVar aggregate classification (germline): Benign/Likely benign. Review status: criteria provided, multiple submitters, no conflicts (2 of 4 stars). 3 submissions from 3 submitters: Benign (1); Likely benign (2). Last evaluated 2025-01-29.

Conditions:
Hereditary nonpolyposis colorectal neoplasms. Identifiers: MedGen C0009405, MeSH D003123.
Hereditary cancer-predisposing syndrome. Also called: Tumor predisposition; Neoplastic Syndromes, Hereditary; Hereditary neoplastic syndrome; Hereditary Cancer Syndrome. Identifiers: Orphanet 140162, MedGen C0027672, MeSH D009386, MONDO:0015356.
Lynch syndrome 4 (LYNCH4). Also called: Colorectal cancer, hereditary nonpolyposis, type 4; Hereditary non-polyposis colorectal cancer, type 4. Identifiers: Orphanet 144, MedGen C1838333, MONDO:0013699, OMIM 614337. Disease mechanism: loss of function.

Allele frequency attached by ClinVar (database versions not stated): gnomAD exomes below 0.00001.
gnomAD v4.1: 2 of 1,612,872 alleles (0.00012%); highest among the groups gnomAD compares: Non-Finnish European, 0.00017%; no homozygotes.

Submissions (3):

Myriad Genetics, Inc.
Classification: Benign for Lynch syndrome 4. Last evaluated: 2025-01-29. Review status: criteria provided, single submitter. Criteria: Myriad Autosomal Dominant, Autosomal Recessive and X-Linked Classification Criteria (2023). Collection method: clinical testing. Allele origin: unknown.
Comment: This variant is considered benign. This variant is a silent/synonymous amino acid change and it is not expected to impact splicing.

Labcorp Genetics (formerly Invitae), Labcorp
Classification: Likely benign for Hereditary nonpolyposis colorectal neoplasms. Last evaluated: 2024-09-18. Review status: criteria provided, single submitter. Criteria: Invitae Variant Classification Sherloc (09022015). Collection method: clinical testing. Allele origin: germline.

Ambry Genetics
Classification: Likely benign for Hereditary cancer-predisposing syndrome. Last evaluated: 2018-01-04. Review status: criteria provided, single submitter. Criteria: Ambry Variant Classification Scheme 2023. Collection method: clinical testing. Allele origin: germline.